The following is an entry in ClinVar:

ClinVar aggregate classification (germline): Uncertain significance. Review status: criteria provided, multiple submitters, no conflicts (2 of 4 stars). 3 submissions from 3 submitters: Uncertain significance (3). Last evaluated 2025-06-29.

Conditions:
Porokeratosis 3, disseminated superficial actinic type (POROK3). Also called: POROKERATOSIS 3, MIBELLI TYPE; POROKERATOSIS, DISSEMINATED SUPERFICIAL ACTINIC, 1; POROKERATOSIS 3, MULTIPLE TYPES. Identifiers: MedGen C1867981, MONDO:0008293, OMIM 175900.
Mevalonic aciduria (MEVA). Identifiers: Orphanet 29, MedGen C1959626, MONDO:0012481, OMIM 610377.
Hyperimmunoglobulin D with periodic fever (HIDS). Also called: HYPERIMMUNOGLOBULINEMIA D AND PERIODIC FEVER SYNDROME; Hyperimmunoglobulinemia D with periodic fever; Hyperimmunoglobulinemia D. Identifiers: Orphanet 343, MedGen C0398691, MONDO:0009849, OMIM 260920.
Inborn genetic diseases. Identifiers: MedGen C0950123, MeSH D030342.

Allele frequency attached by ClinVar (database versions not stated): TOPMed below 0.00001; gnomAD 0.00001; ExAC 0.00002.

Submissions (3):

Labcorp Genetics (formerly Invitae), Labcorp
Classification: Uncertain significance for Mevalonic aciduria; Hyperimmunoglobulin D with periodic fever; Porokeratosis 3, disseminated superficial actinic type. Last evaluated: 2025-06-29. Review status: criteria provided, single submitter. Criteria: Invitae Variant Classification Sherloc (09022015). Collection method: clinical testing. Allele origin: germline.
Comment: This sequence change replaces valine, which is neutral and non-polar, with methionine, which is neutral and non-polar, at codon 261 of the MVK protein (p.Val261Met). This variant is present in population databases (rs373753405, gnomAD 0.01%). This variant has not been reported in the literature in individuals affected with MVK-related conditions. ClinVar contains an entry for this variant (Variation ID: 2050379). An algorithm developed to predict the effect of missense changes on protein structure and function outputs the following: PolyPhen-2: "Benign". The methionine amino acid residue is found in multiple mammalian species, which suggests that this missense change does not adversely affect protein function. In summary, the available evidence is currently insufficient to determine the role of this variant in disease. Therefore, it has been classified as a Variant of Uncertain Significance.

Ambry Genetics
Classification: Uncertain significance for Inborn genetic diseases. Last evaluated: 2024-07-25. Review status: criteria provided, single submitter. Criteria: Ambry Variant Classification Scheme 2023. Collection method: clinical testing. Allele origin: germline.

Fulgent Genetics
Classification: Uncertain significance for Porokeratosis 3, disseminated superficial actinic type; Hyperimmunoglobulin D with periodic fever; Mevalonic aciduria. Last evaluated: 2024-05-06. Review status: criteria provided, single submitter. Criteria: ACMG Guidelines, 2015. Collection method: clinical testing. Allele origin: germline.

NM_000431.4(MVK):c.781G>A (p.Val261Met)

Gene: MVK (mevalonate kinase; plus strand). Cytogenetic location: 12q24.11.
Variant type: single nucleotide variant.
Coding change: c.781G>A on transcript NM_000431.4 (MANE Select); coding-DNA position 781, G replaced by A.
Protein change: p.Val261Met; replaces valine 261 with methionine.
Molecular consequence: missense variant.
Genome position (GRCh38, 1-based): chr12:109,591,253, G>A. VCF-style: chr12-109591253-G-A. GRCh37 (hg19) VCF-style: chr12-110029058-G-A.
Other names: c.781G>A, p.Val261Met (NM_001114185.3, NM_001414511.1, NM_001414513.1); c.625G>A, p.Val209Met (NM_001301182.2, NM_001414514.1); c.856G>A, p.Val286Met (NM_001414512.1); c.199G>A, p.Val67Met (NM_001414515.1); short protein forms V209M, V261M, V286M, V67M.
Identifiers: ClinVar variation 2050379 (VCV002050379.5), dbSNP rs373753405, ClinGen allele CA6779380.